The following is an entry in ClinVar:

NM_025132.4(WDR19):c.164+1G>T

Gene: WDR19 (WD repeat domain 19; plus strand). Cytogenetic location: 4p14.
Variant type: single nucleotide variant.
Coding change: c.164+1G>T on transcript NM_025132.4 (MANE Select); the canonical splice donor site of the intron after coding-DNA position 164, G replaced by T.
Molecular consequence: splice donor variant.
Genome position (GRCh38, 1-based): chr4:39,186,605, G>T. VCF-style: chr4-39186605-G-T. GRCh37 (hg19) VCF-style: chr4-39188225-G-T.
Other names: c.-201+1G>T (NM_001317924.2).
Identifiers: ClinVar variation 4791199 (VCV004791199.1).

ClinVar aggregate classification (germline): Likely pathogenic (1 of 4 stars; one submission).

Conditions:
Asphyxiating thoracic dystrophy 5 (SRTD5). Also called: SHORT-RIB THORACIC DYSPLASIA 5 WITH OR WITHOUT POLYDACTYLY; SHORT-RIB THORACIC DYSPLASIA 5 WITHOUT POLYDACTYLY. Identifiers: Orphanet 474, MedGen C3280598, MONDO:0013717, OMIM 614376.
Senior-Loken syndrome 8 (SLSN8). Identifiers: Orphanet 3156, MedGen C4225376, MONDO:0014579, OMIM 616307.

gnomAD v4.1: 1 of 1,570,078 alleles (0.000064%); highest among the groups gnomAD compares: Non-Finnish European, 0.000086%; no homozygotes.

Submission:

Labcorp Genetics (formerly Invitae), Labcorp
Classification: Likely pathogenic for Senior-Loken syndrome 8; Asphyxiating thoracic dystrophy 5. Last evaluated: 2025-09-10. Review status: criteria provided, single submitter. Criteria: Invitae Variant Classification Sherloc (09022015). Collection method: clinical testing. Allele origin: germline.
Comment: This sequence change affects a donor splice site in intron 3 of the WDR19 gene. It is expected to disrupt RNA splicing. Variants that disrupt the donor or acceptor splice site typically lead to a loss of protein function (PMID: 16199547), and loss-of-function variants in WDR19 are known to be pathogenic (PMID: 22019273, 23559409, 23683095, 26275793, 27241786, 29068549). The frequency data for this variant in the population databases is considered unreliable, as metrics indicate poor data quality at this position in the gnomAD database. This variant has not been reported in the literature in individuals affected with WDR19-related conditions. Algorithms developed to predict the effect of sequence changes on RNA splicing suggest that this variant may disrupt the consensus splice site. In summary, the currently available evidence indicates that the variant is pathogenic, but additional data are needed to prove that conclusively. Therefore, this variant has been classified as Likely Pathogenic.

Literature cited by the submitters: PubMed 16199547; PubMed 22019273; PubMed 23559409; PubMed 23683095; PubMed 26275793; PubMed 27241786; PubMed 29068549.